The following is an entry in ClinVar:

NM_201384.3(PLEC):c.6242G>A (p.Gly2081Asp)

Gene: PLEC (plectin; minus strand). Cytogenetic location: 8q24.3.
Variant type: single nucleotide variant.
Coding change: c.6242G>A on transcript NM_201384.3 (MANE Select); coding-DNA position 6242, G replaced by A.
Protein change: p.Gly2081Asp; replaces glycine 2081 with aspartic acid.
Molecular consequence: missense variant.
Genome position (GRCh38, 1-based): chr8:143,923,687, C>T on the plus strand (G>A on the coding strand, the complement: PLEC is on the minus strand). VCF-style: chr8-143923687-C-T. GRCh37 (hg19) VCF-style: chr8-144997855-C-T.
Other names: c.6323G>A, p.Gly2108Asp (NM_000445.5); c.6200G>A, p.Gly2067Asp (NM_201378.4); c.6176G>A, p.Gly2059Asp (NM_201379.3); c.6653G>A, p.Gly2218Asp (NM_201380.4); c.6146G>A, p.Gly2049Asp (NM_201381.3); c.6242G>A, p.Gly2081Asp (NM_201382.4); c.6254G>A, p.Gly2085Asp (NM_201383.3); short protein forms G2049D, G2067D, G2081D, G2108D, G2218D, G2059D, G2085D.
Identifiers: ClinVar variation 283287 (VCV000283287.10), dbSNP rs886044809, ClinGen allele CA10604449.
Genomic context (GRCh38, chr8:143,923,687, plus strand): 5'-TCCGCCTGCACCCGGGCCTCCTCCGCCTCCTCAGCCGCCCGCCGGGCCGCCTCCGCCTCG[C>T]CGCGCAGCTGGTCCAGCACGCTCTGCTCCTGCTGCAGCGTCTGCTGTAGCTCCTGCTCCT-3'
Protein context (NP_958786.1, residues 2071-2091): QEQSVLDQLR[Gly2081Asp]EAEAARRAAE

ClinVar aggregate classification (germline): Uncertain significance. Review status: criteria provided, multiple submitters, no conflicts (2 of 4 stars). 2 submissions from 2 submitters: Uncertain significance (2). Last evaluated 2024-12-20.

Conditions:
Epidermolysis bullosa simplex with nail dystrophy (EBS5D). Identifiers: MedGen C4225309, MONDO:0014661, OMIM 616487.
Epidermolysis bullosa simplex 5C, with pyloric atresia (EBS5C). Also called: PLEC-Related Epidermolysis Bullosa with Pyloric Atresia; Epidermolysis bullosa simplex with pyloric atresia; PLEC1-Related Epidermolysis Bullosa with Pyloric Atresia. Identifiers: Orphanet 158684, MedGen C2677349, MONDO:0012807, OMIM 612138.
Autosomal recessive limb-girdle muscular dystrophy type 2Q (LGMDR17). Also called: MUSCULAR DYSTROPHY, LIMB-GIRDLE, AUTOSOMAL RECESSIVE 17. Identifiers: Orphanet 254361, MedGen C3150989, MONDO:0013390, OMIM 613723.
Epidermolysis bullosa simplex 5B, with muscular dystrophy (EBS5B). Also called: EPIDERMOLYSIS BULLOSA SIMPLEX AND LIMB-GIRDLE MUSCULAR DYSTROPHY; Epidermolysis bullosa simplex with muscular dystrophy. Identifiers: Orphanet 257, MedGen C2931072, MONDO:0009181, OMIM 226670.
Epidermolysis bullosa simplex, Ogna type (EBS5A). Also called: Pidermolysis bullosa simplex 5A, Ogna type; EPIDERMOLYSIS BULLOSA SIMPLEX 5A, OGNA TYPE. Identifiers: Orphanet 79401, MedGen C0432317, MONDO:0007555, OMIM 131950.

Allele frequency attached by ClinVar (database versions not stated): gnomAD exomes below 0.00001 and 0.00001; gnomAD 0.00001; TOPMed 0.00002.
gnomAD v4.1: 7 of 1,546,886 alleles (0.00045%); highest among the groups gnomAD compares: Non-Finnish European, 0.00061%; no homozygotes.

Submissions (2):

Labcorp Genetics (formerly Invitae), Labcorp
Classification: Uncertain significance for Autosomal recessive limb-girdle muscular dystrophy type 2Q; Epidermolysis bullosa simplex, Ogna type; Epidermolysis bullosa simplex with nail dystrophy; Epidermolysis bullosa simplex 5C, with pyloric atresia; Epidermolysis bullosa simplex 5B, with muscular dystrophy. Last evaluated: 2024-12-20. Review status: criteria provided, single submitter. Criteria: Invitae Variant Classification Sherloc (09022015). Collection method: clinical testing. Allele origin: germline.
Comment: This sequence change replaces glycine, which is neutral and non-polar, with aspartic acid, which is acidic and polar, at codon 2108 of the PLEC protein (p.Gly2108Asp). The frequency data for this variant in the population databases is considered unreliable, as metrics indicate poor data quality at this position in the gnomAD database. This variant has not been reported in the literature in individuals affected with PLEC-related conditions. ClinVar contains an entry for this variant (Variation ID: 283287). An algorithm developed to predict the effect of missense changes on protein structure and function (PolyPhen-2) suggests that this variant is likely to be tolerated. In summary, the available evidence is currently insufficient to determine the role of this variant in disease. Therefore, it has been classified as a Variant of Uncertain Significance.

Eurofins Ntd Llc (ga)
Classification: Uncertain significance. Last evaluated: 2015-09-15. Review status: criteria provided, single submitter. Criteria: EGL Classification Definitions 2015. Collection method: clinical testing. Allele origin: germline. Observed: 1 variant allele, 1 heterozygote.